The following is an entry in ClinVar:

NM_020631.6(PLEKHG5):c.771C>G (p.Gly257=)

Gene: PLEKHG5 (pleckstrin homology and RhoGEF domain containing G5; minus strand). Cytogenetic location: 1p36.31.
Variant type: single nucleotide variant.
Coding change: c.771C>G on transcript NM_020631.6 (MANE Select); coding-DNA position 771, C replaced by G.
Protein change: p.Gly257=; no amino-acid change (glycine 257 retained).
Molecular consequence: synonymous variant.
Genome position (GRCh38, 1-based): chr1:6,473,275, G>C on the plus strand (C>G on the coding strand, the complement: PLEKHG5 is on the minus strand). VCF-style: chr1-6473275-G-C. GRCh37 (hg19) VCF-style: chr1-6533335-G-C.
Other names: c.882C>G, p.Gly294= (NM_001042663.3, NM_001265592.2); c.771C>G, p.Gly257= (NM_001042664.2, NM_001042665.2, NM_001265594.3 and 1 more transcripts); c.978C>G, p.Gly326= (NM_001265593.2).
Identifiers: ClinVar variation 468918 (VCV000468918.17), dbSNP rs200400689, ClinGen allele CA561760.

ClinVar aggregate classification (germline): Benign/Likely benign. Review status: criteria provided, multiple submitters, no conflicts (2 of 4 stars). 3 submissions from 3 submitters: Benign (1); Likely benign (2). Last evaluated 2026-02-04.

Conditions:
PLEKHG5-related disorder. Also called: PLEKHG5-related condition.
Inborn genetic diseases. Identifiers: MedGen C0950123, MeSH D030342.
Charcot-Marie-Tooth disease recessive intermediate C. Also called: CHARCOT-MARIE-TOOTH NEUROPATHY, RECESSIVE INTERMEDIATE C. Identifiers: Orphanet 369867, MedGen C3809309, MONDO:0014154, OMIM 615376.
Neuronopathy, distal hereditary motor, autosomal recessive 4. Also called: Autosomal recessive lower motor neuron disease with childhood onset; NEUROPATHY, DISTAL HEREDITARY MOTOR, AUTOSOMAL RECESSIVE 4. Identifiers: Orphanet 206580, MedGen C1970211, MONDO:0012608, OMIM 611067.

Allele frequency attached by ClinVar (database versions not stated): TOPMed 0.00002; gnomAD 0.00004 and 0.00009; gnomAD exomes 0.00016; ExAC 0.00023; 1000 Genomes Project 30x 0.00094; 1000 Genomes Project 0.00100.
gnomAD v4.1: 71 of 1,606,184 alleles (0.0044%); highest among the groups gnomAD compares: East Asian, 0.11%; no homozygotes.

Submissions (3):

PreventionGenetics, part of Exact Sciences
Classification: Likely benign for PLEKHG5-related condition. Last evaluated: 2026-02-04. Review status: criteria provided, single submitter. Criteria: ACMG Guidelines, 2015. Collection method: clinical testing. Allele origin: germline.
Comment: This variant is classified as likely benign based on ACMG/AMP sequence variant interpretation guidelines (Richards et al. 2015 PMID: 25741868, with internal and published modifications).

Labcorp Genetics (formerly Invitae), Labcorp
Classification: Benign for Neuronopathy, distal hereditary motor, autosomal recessive 4; Charcot-Marie-Tooth disease recessive intermediate C. Last evaluated: 2026-01-28. Review status: criteria provided, single submitter. Criteria: Invitae Variant Classification Sherloc (09022015). Collection method: clinical testing. Allele origin: germline.

Ambry Genetics
Classification: Likely benign for Inborn genetic diseases. Last evaluated: 2019-07-11. Review status: criteria provided, single submitter. Criteria: Ambry Variant Classification Scheme 2023. Collection method: clinical testing. Allele origin: germline.